The following is an entry in ClinVar:

ClinVar aggregate classification (germline): Pathogenic (1 of 4 stars; one submission).

gnomAD v4.1: 6 of 1,609,310 alleles (0.00037%); highest among the groups gnomAD compares: African/African-American, 0.0067%; no homozygotes.

Submission:

GeneDx
Classification: Pathogenic. Last evaluated: 2026-01-22. Review status: criteria provided, single submitter. Criteria: GeneDx Variant Classification Process June 2021. Collection method: clinical testing. Allele origin: germline.
Comment: Canonical splice site variant predicted to result in an in-frame loss of the adjacent exon in a gene for which loss of function is a known mechanism of disease; Not observed at significant frequency in large population cohorts (gnomAD); Has not been previously published as pathogenic or benign to our knowledge

NM_058004.4(PI4KA):c.1071+1G>A

Gene: PI4KA (phosphatidylinositol 4-kinase alpha; minus strand). Cytogenetic location: 22q11.21.
Variant type: single nucleotide variant.
Coding change: c.1071+1G>A on transcript NM_058004.4 (MANE Select); the canonical splice donor site of the intron after coding-DNA position 1071, G replaced by A.
Molecular consequence: splice donor variant. On other transcripts: intron variant (1).
Genome position (GRCh38, 1-based): chr22:20,810,966, C>T on the plus strand (G>A on the coding strand, the complement: PI4KA is on the minus strand). VCF-style: chr22-20810966-C-T. GRCh37 (hg19) VCF-style: chr22-21165254-C-T.
Other names: c.1005+2392G>A (NM_001362863.2); c.1071+1G>A (NM_001362862.2).
Identifiers: ClinVar variation 4975084 (VCV004975084.1).